The following is an entry in ClinVar:

ClinVar aggregate classification (germline): Uncertain significance (1 of 4 stars; one submission).

Conditions:
TNXB-related disorder. Also called: TNXB-related condition.

gnomAD v4.1: 36 of 716,000 alleles (0.005%); highest among the groups gnomAD compares: Middle Eastern, 0.037%; 1 homozygote.

Submission:

PreventionGenetics, part of Exact Sciences
Classification: Uncertain significance for TNXB-related condition. Last evaluated: 2026-06-25. Review status: criteria provided, single submitter. Criteria: ACMG Guidelines, 2015. Collection method: clinical testing. Allele origin: germline.
Comment: The TNXB c.11578G>A variant is predicted to result in the amino acid substitution p.Val3860Met. To our knowledge, this variant has not been reported in the literature. This variant is reported in 0.021% of alleles in individuals of European (Non-Finnish) descent in gnomAD, but with a low quality warning (allele frequency estimates may not be reliable). This variant falls within a highly paralogous region. Allele frequency data should be interpreted with caution. At this time, the clinical significance of this variant is uncertain due to the absence of conclusive functional and genetic evidence.

NM_001365276.2(TNXB):c.11584G>A (p.Val3862Met)

Genes: TNXB (tenascin XB; minus strand), LOC106780803 (tenascin XB recombination region; plus strand). Cytogenetic location: 6p21.33.
Variant type: single nucleotide variant.
Coding change: c.11584G>A on transcript NM_001365276.2 (MANE Select); coding-DNA position 11584, G replaced by A.
Protein change: p.Val3862Met; replaces valine 3862 with methionine.
Molecular consequence: missense variant.
Genome position (GRCh38, 1-based): chr6:32,043,503, C>T on the plus strand (G>A on the coding strand, the complement: TNXB is on the minus strand). VCF-style: chr6-32043503-C-T. GRCh37 (hg19) VCF-style: chr6-32011280-C-T.
Other names: c.12325G>A, p.Val4109Met (NM_001428335.1); c.11578G>A, p.Val3860Met (NM_019105.8); c.871G>A, p.Val291Met (NM_032470.4); short protein forms V291M, V3862M, V3860M, V4109M.
Identifiers: ClinVar variation 4980114 (VCV004980114.1).
Genomic context (GRCh38, chr6:32,043,503, plus strand): 5'-GGGCTGTGACCTGGACGTCATAGGTGTCCACAGGATTCTGGGGGGGCTTCCAGTGCAGCA[C>T]GGCGAATCCCTCGGTCAAGTTCAGTGCACGCAACTGTGTGGGACCGTCAGGAACTGGGGG-3'
Protein context (NP_001352205.1, residues 3852-3872): RALNLTEGFA[Val3862Met]LHWKPPQNPV